The following is an entry in ClinVar:

NM_001206927.2(DNAH8):c.7569G>A (p.Lys2523=)

Gene: DNAH8 (dynein axonemal heavy chain 8; plus strand). Cytogenetic location: 6p21.2.
Variant type: single nucleotide variant.
Coding change: c.7569G>A on transcript NM_001206927.2 (MANE Select); coding-DNA position 7569, G replaced by A.
Protein change: p.Lys2523=; no amino-acid change (lysine 2523 retained).
Molecular consequence: synonymous variant.
Genome position (GRCh38, 1-based): chr6:38,873,325, G>A. VCF-style: chr6-38873325-G-A. GRCh37 (hg19) VCF-style: chr6-38841101-G-A.
Other names: p.Lys2523=; c.6918G>A, p.Lys2306= (NM_001371.4).
Identifiers: ClinVar variation 402766 (VCV000402766.17), dbSNP rs9380795, ClinGen allele CA3789955.

ClinVar aggregate classification (germline): Benign. Review status: criteria provided, multiple submitters, no conflicts (2 of 4 stars). 5 submissions from 5 submitters: Benign (5). Last evaluated 2026-02-04.

Conditions:
Primary ciliary dyskinesia. Also called: Ciliary dyskinesia. Identifiers: Orphanet 244, MedGen C0008780, MONDO:0016575, HP:0012265.

Allele frequency attached by ClinVar (database versions not stated): ESP Exome Variant Server 0.40481; gnomAD 0.42138 and 0.43274; TOPMed 0.44128; gnomAD exomes 0.44750 and 0.48578; ExAC 0.47823; 1000 Genomes Project 30x 0.52764; 1000 Genomes Project 0.53335.
gnomAD v4.1: 719,261 of 1,611,190 alleles (45%); highest among the groups gnomAD compares: East Asian, 82%; 166,839 homozygotes.

Submissions (5):

Labcorp Genetics (formerly Invitae), Labcorp
Classification: Benign for Primary ciliary dyskinesia. Last evaluated: 2026-02-04. Review status: criteria provided, single submitter. Criteria: Invitae Variant Classification Sherloc (09022015). Collection method: clinical testing. Allele origin: germline.

Blueprint Genetics
Classification: Benign. Last evaluated: 2024-11-27. Review status: criteria provided, single submitter. Criteria: ACMG Guidelines, 2015. Collection method: clinical testing. Allele origin: germline.

Mayo Clinic Laboratories, Mayo Clinic
Classification: Benign. Last evaluated: 2022-04-26. Review status: criteria provided, single submitter. Criteria: ACMG Guidelines, 2015. Collection method: clinical testing. Allele origin: germline. Observed: 142 variant alleles.

GeneDx
Classification: Benign. Last evaluated: 2018-11-10. Review status: criteria provided, single submitter. Criteria: GeneDx Variant Classification Process June 2021. Collection method: clinical testing. Allele origin: germline. Affected: yes.

Laboratory for Molecular Medicine, Mass General Brigham Personalized Medicine
Classification: Benign. Last evaluated: 2016-03-28. Review status: criteria provided, single submitter. Criteria: LMM Criteria. Collection method: clinical testing. Allele origin: germline.
Comment: Variant identified in a genome or exome case(s) and assessed due to predicted null impact of the variant or pathogenic assertions in the literature or databases. Disclaimer: This variant has not undergone full assessment. The following are preliminary notes: Frequency